The following is an entry in ClinVar:

NM_020041.3(SLC2A9):c.60C>A (p.Asp20Glu)

Genes: SLC2A9 (solute carrier family 2 member 9; minus strand), SLC2A9-AS3 (SLC2A9 antisense RNA 3; plus strand). Cytogenetic location: 4p16.1.
Variant type: single nucleotide variant.
Coding change: c.60C>A on transcript NM_020041.3 (MANE Select); coding-DNA position 60, C replaced by A.
Protein change: p.Asp20Glu; replaces aspartic acid 20 with glutamic acid.
Molecular consequence: missense variant. On other transcripts: intron variant (1).
Genome position (GRCh38, 1-based): chr4:10,021,370, G>T on the plus strand (C>A on the coding strand, the complement: SLC2A9 is on the minus strand). VCF-style: chr4-10021370-G-T. GRCh37 (hg19) VCF-style: chr4-10022994-G-T.
Other names: c.64-2297C>A (NM_001001290.2); short protein forms D20E.
Identifiers: ClinVar variation 2148404 (VCV002148404.4), dbSNP rs761200015, ClinGen allele CA2857364.

ClinVar aggregate classification (germline): Uncertain significance (1 of 4 stars; one submission).

Allele frequency attached by ClinVar (database versions not stated): gnomAD exomes below 0.00001; ExAC 0.00001; gnomAD 0.00001; TOPMed 0.00003.
gnomAD v4.1: 2 of 1,614,134 alleles (0.00012%); highest among the groups gnomAD compares: Admixed American, 0.0017%; no homozygotes.

Submission:

Labcorp Genetics (formerly Invitae), Labcorp
Classification: Uncertain significance. Last evaluated: 2022-08-08. Review status: criteria provided, single submitter. Criteria: Invitae Variant Classification Sherloc (09022015). Collection method: clinical testing. Allele origin: germline.
Comment: In summary, the available evidence is currently insufficient to determine the role of this variant in disease. Therefore, it has been classified as a Variant of Uncertain Significance. Algorithms developed to predict the effect of missense changes on protein structure and function (SIFT, PolyPhen-2, Align-GVGD) all suggest that this variant is likely to be tolerated. This variant has not been reported in the literature in individuals affected with SLC2A9-related conditions. This variant is present in population databases (rs761200015, gnomAD 0.007%). This sequence change replaces aspartic acid, which is acidic and polar, with glutamic acid, which is acidic and polar, at codon 20 of the SLC2A9 protein (p.Asp20Glu).